The following is an entry in ClinVar:

NM_013254.4(TBK1):c.253A>G (p.Ile85Val)

Gene: TBK1 (TANK binding kinase 1; plus strand). Cytogenetic location: 12q14.2.
Variant type: single nucleotide variant.
Coding change: c.253A>G on transcript NM_013254.4 (MANE Select); coding-DNA position 253, A replaced by G.
Protein change: p.Ile85Val; replaces isoleucine 85 with valine.
Molecular consequence: missense variant.
Genome position (GRCh38, 1-based): chr12:64,464,358, A>G. VCF-style: chr12-64464358-A-G. GRCh37 (hg19) VCF-style: chr12-64858138-A-G.
Other names: short protein forms I85V.
Identifiers: ClinVar variation 2178698 (VCV002178698.4), dbSNP rs2539488859, ClinGen allele CA385595372.

ClinVar aggregate classification (germline): Uncertain significance (1 of 4 stars; one submission).

Conditions:
Frontotemporal dementia and/or amyotrophic lateral sclerosis 4. Also called: FTDALS4. Identifiers: Orphanet 275872, MedGen C4225325, MONDO:0014641, OMIM 616439.

Submission:

Labcorp Genetics (formerly Invitae), Labcorp
Classification: Uncertain significance for Frontotemporal dementia and/or amyotrophic lateral sclerosis 4. Last evaluated: 2022-02-19. Review status: criteria provided, single submitter. Criteria: Invitae Variant Classification Sherloc (09022015). Collection method: clinical testing. Allele origin: germline.
Comment: This sequence change replaces isoleucine, which is neutral and non-polar, with valine, which is neutral and non-polar, at codon 85 of the TBK1 protein (p.Ile85Val). This variant is not present in population databases (gnomAD no frequency). This variant has not been reported in the literature in individuals affected with TBK1-related conditions. Advanced modeling of protein sequence and biophysical properties (such as structural, functional, and spatial information, amino acid conservation, physicochemical variation, residue mobility, and thermodynamic stability) performed at Invitae indicates that this missense variant is not expected to disrupt TBK1 protein function. In summary, the available evidence is currently insufficient to determine the role of this variant in disease. Therefore, it has been classified as a Variant of Uncertain Significance.